The following is an entry in ClinVar:

NM_001267550.2(TTN):c.76631G>A (p.Trp25544Ter)

Genes: TTN (titin; minus strand), TTN-AS1 (TTN antisense RNA 1; plus strand). Cytogenetic location: 2q31.2.
Variant type: single nucleotide variant.
Coding change: c.76631G>A on transcript NM_001267550.2 (MANE Select); coding-DNA position 76631, G replaced by A.
Protein change: p.Trp25544Ter; replaces tryptophan 25544 with a stop codon.
Molecular consequence: nonsense.
Genome position (GRCh38, 1-based): chr2:178,569,501, C>T on the plus strand (G>A on the coding strand, the complement: TTN is on the minus strand). VCF-style: chr2-178569501-C-T. GRCh37 (hg19) VCF-style: chr2-179434228-C-T.
Other names: p.W23903*:TGG>TAG; c.71708G>A, p.Trp23903Ter (NM_001256850.1); c.49436G>A, p.Trp16479Ter (NM_003319.4); c.68927G>A, p.Trp22976Ter (NM_133378.4); c.49811G>A, p.Trp16604Ter (NM_133432.3); c.50012G>A, p.Trp16671Ter (NM_133437.4); short protein forms W23903*, W25544*, W16671*, W16479*, W16604*, W22976*.
Identifiers: ClinVar variation 202522 (VCV000202522.4), dbSNP rs794729383, ClinGen allele CA309501.

ClinVar aggregate classification (germline): Likely pathogenic (1 of 4 stars; one submission).

Allele frequency attached by ClinVar (database versions not stated): gnomAD exomes below 0.00001.
gnomAD v4.1: 1 of 1,612,694 alleles (0.000062%); highest among the groups gnomAD compares: Non-Finnish European, 0.000085%; no homozygotes.

Submission:

GeneDx
Classification: Likely pathogenic. Last evaluated: 2016-09-21. Review status: criteria provided, single submitter. Criteria: GeneDx Variant Classification (06012015). Collection method: clinical testing. Allele origin: germline. Affected: yes.
Comment: The W23903X variant in the TTN gene has not been reported previously as a pathogenic variant or as a benign polymorphism, to our knowledge. W23903X is predicted to cause loss of normal protein function either due to production of an abnormal, prematurely truncated protein, or by absence of protein product due to nonsense mediated mRNA decay. Other truncating TTN variants have been reported in approximately 3% of control alleles (Herman D et al., 2012). However, W23903X is located in the A-band region of titin, where the majority of truncating mutations associated with DCM have been reported (Herman D et al., 2012). Furthermore, W23903X was not observed in approximately 6,000 individuals of European and African American ancestry in the NHLBI Exome Sequencing Project, indicating it is not a common benign variant in these populations. The W23903X variant in theTTN gene, previously reported as a pathogenic variant, has been classified as a likely pathogenic variant based onreview of the data in the context of the 2015 ACMG Standards and guidelines for the interpretation of sequencevariants (Richards et al., 2015).